The following is an entry in ClinVar:

ClinVar aggregate classification (germline): Uncertain significance. Review status: criteria provided, multiple submitters, no conflicts (2 of 4 stars). 3 submissions from 3 submitters: Uncertain significance (3). Last evaluated 2023-09-22.

Allele frequency attached by ClinVar (database versions not stated): gnomAD 0.00001 and 0.00004; TOPMed 0.00001; gnomAD exomes 0.00010 and 0.00024; ExAC 0.00067.
gnomAD v4.1: 148 of 1,551,660 alleles (0.0095%); highest among the groups gnomAD compares: South Asian, 0.16%; no homozygotes.

Submissions (3):

Ambry Genetics
Classification: Uncertain significance. Last evaluated: 2023-09-22. Review status: criteria provided, single submitter. Criteria: Ambry Variant Classification Scheme 2023. Collection method: clinical testing. Allele origin: germline.

Blueprint Genetics
Classification: Uncertain significance. Last evaluated: 2022-09-26. Review status: criteria provided, single submitter. Criteria: ACMG Guidelines, 2015. Collection method: clinical testing. Allele origin: germline.

Labcorp Genetics (formerly Invitae), Labcorp
Classification: Uncertain significance. Last evaluated: 2022-01-14. Review status: criteria provided, single submitter. Criteria: Invitae Variant Classification Sherloc (09022015). Collection method: clinical testing. Allele origin: germline.
Comment: This sequence change replaces histidine, which is basic and polar, with asparagine, which is neutral and polar, at codon 465 of the DHX38 protein (p.His465Asn). This variant is present in population databases (rs777032821, gnomAD 0.1%). This variant has not been reported in the literature in individuals affected with DHX38-related conditions. Algorithms developed to predict the effect of missense changes on protein structure and function are either unavailable or do not agree on the potential impact of this missense change (SIFT: "Tolerated"; PolyPhen-2: "Benign"; Align-GVGD: "Class C25"). In summary, the available evidence is currently insufficient to determine the role of this variant in disease. Therefore, it has been classified as a Variant of Uncertain Significance.

NM_014003.4(DHX38):c.1393C>A (p.His465Asn)

Gene: DHX38 (DEAH-box helicase 38; plus strand). Cytogenetic location: 16q22.2.
Variant type: single nucleotide variant.
Coding change: c.1393C>A on transcript NM_014003.4 (MANE Select); coding-DNA position 1393, C replaced by A.
Protein change: p.His465Asn; replaces histidine 465 with asparagine.
Molecular consequence: missense variant.
Genome position (GRCh38, 1-based): chr16:72,101,506, C>A. VCF-style: chr16-72101506-C-A. GRCh37 (hg19) VCF-style: chr16-72135405-C-A.
Other names: c.1393C>A (NM_014003.3); short protein forms H465N.
Identifiers: ClinVar variation 1427791 (VCV001427791.7), dbSNP rs777032821, ClinGen allele CA8160313.